The following is an entry in ClinVar:

ClinVar aggregate classification (germline): Conflicting classifications of pathogenicity. Review status: criteria provided, conflicting classifications (1 of 4 stars). 10 submissions from 8 submitters: Pathogenic (6); Likely pathogenic (2); Uncertain significance (1). 1 of the submissions does not count toward it. Last evaluated 2026-08-31.

Conditions:
Retinal dystrophy. Also called: Inherited retinal dystrophy. Identifiers: Orphanet 71862, MedGen C0854723, MeSH D058499, MONDO:0019118, HP:0000556.
Retinitis pigmentosa 12 (RP12). Also called: RP WITH OR WITHOUT PRESERVED PARAARTERIOLE RETINAL PIGMENT EPITHELIUM; RETINITIS PIGMENTOSA WITH OR WITHOUT PARAARTERIOLAR PRESERVATION OF RETINAL PIGMENT EPITHELIUM; RP WITH OR WITHOUT PPRPE. Identifiers: Orphanet 791, MedGen C1838647, MONDO:0010818, OMIM 600105.
Leber congenital amaurosis 8 (LCA8). Identifiers: Orphanet 65, MedGen C3151202, MONDO:0013453, OMIM 613835.
Pigmented paravenous retinochoroidal atrophy. Identifiers: Orphanet 251295, MedGen C1868310, MONDO:0008246, OMIM 172870.
Leber congenital amaurosis (LCA). Also called: Leber's amaurosis. Identifiers: Orphanet 65, MedGen C0339527, MeSH D057130, MONDO:0018998.
CRB1-related disorder. Also called: CRB1-related disorders; CRB1-related condition.

Allele frequency attached by ClinVar (database versions not stated): gnomAD exomes below 0.00001 and 0.00001; gnomAD 0.00001; TOPMed 0.00001.
gnomAD v4.1: 4 of 1,613,900 alleles (0.00025%); highest among the groups gnomAD compares: Admixed American, 0.005%; no homozygotes.

Submissions (10):

PreventionGenetics, part of Exact Sciences
Classification: Pathogenic for CRB1-related condition. Last evaluated: 2026-08-31. Review status: criteria provided, single submitter. Criteria: ACMG Guidelines, 2015. Collection method: clinical testing. Allele origin: germline.
Comment: The CRB1 c.2300T>C variant is predicted to result in the amino acid substitution p.Leu767Pro. This variant has been reported in the homozygous state or with other loss-of-function variants in multiple individuals with Leber congenital amaurosis, retinal dystrophy, or retinitis pigmentosa (Stone et al. 2007. PubMed ID: 17964524; Bryant et al. 2018. PubMed ID:29343940; Li et al. 2022. PubMed ID: 35243176; Internal Data, PreventionGenetics). This variant is reported in 0.0029% of alleles in individuals of Latino descent in gnomAD. This variant is interpreted as pathogenic.

Labcorp Genetics (formerly Invitae), Labcorp
Classification: Pathogenic for Leber congenital amaurosis 8; Retinitis pigmentosa 12. Last evaluated: 2025-10-11. Review status: criteria provided, single submitter. Criteria: Invitae Variant Classification Sherloc (09022015). Collection method: clinical testing. Allele origin: germline.
Comment: This sequence change replaces leucine, which is neutral and non-polar, with proline, which is neutral and non-polar, at codon 767 of the CRB1 protein (p.Leu767Pro). This variant is present in population databases (no rsID available, gnomAD 0.006%). This missense change has been observed in individuals with Leber congenital amaurosis or retinitis pigmentosa (PMID: 17964524; internal data). ClinVar contains an entry for this variant (Variation ID: 840207). Invitae Evidence Modeling of protein sequence and biophysical properties (such as structural, functional, and spatial information, amino acid conservation, physicochemical variation, residue mobility, and thermodynamic stability) indicates that this missense variant is expected to disrupt CRB1 protein function with a positive predictive value of 95%. For these reasons, this variant has been classified as Pathogenic.

Women's Health and Genetics/Laboratory Corporation of America, LabCorp
Classification: Likely pathogenic for Retinal dystrophy. Last evaluated: 2025-06-17. Review status: criteria provided, single submitter. Criteria: LabCorp Variant Classification Summary - May 2015. Collection method: clinical testing. Allele origin: germline.
Comment: Variant summary: CRB1 c.2300T>C (p.Leu767Pro) results in a non-conservative amino acid change in the encoded protein sequence. Algorithms developed to predict the effect of missense changes on protein structure and function all suggest that this variant is likely to be disruptive. The variant allele was found at a frequency of 8e-06 in 250848 control chromosomes. c.2300T>C has been observed in individual(s) affected with Leber congenital amaurosis (Stone_2007, Bryant_2017, Internal data). The following publications have been ascertained in the context of this evaluation (PMID: 17964524, 29343940). ClinVar contains an entry for this variant (Variation ID: 840207). Based on the evidence outlined above, the variant was classified as likely pathogenic.

GeneDx
Classification: Uncertain significance. Last evaluated: 2024-04-15. Review status: criteria provided, single submitter. Criteria: GeneDx Variant Classification Process June 2021. Collection method: clinical testing. Allele origin: germline. Affected: yes.
Comment: Observed in apparent homozygous state in patients with Leber congenital amaurosis in the literature and not observed in homozygous state in controls (PMID: 29343940, 17964524); Not observed at significant frequency in large population cohorts (gnomAD); In silico analysis supports that this missense variant has a deleterious effect on protein structure/function; This variant is associated with the following publications: (PMID: 17964524, 31964843, 29343940, 35243176)

Baylor Genetics
Classification: Likely pathogenic for Leber congenital amaurosis 8. Last evaluated: 2023-12-04. Review status: criteria provided, single submitter. Criteria: ACMG Guidelines, 2015. Collection method: clinical testing. Allele origin: unknown.

Genome-Nilou Lab
Classification: Pathogenic for Leber congenital amaurosis 8. Last evaluated: 2023-04-11. Review status: criteria provided, single submitter. Criteria: ACMG Guidelines, 2015. Collection method: clinical testing. Allele origin: germline. Affected: no.

Genome-Nilou Lab
Classification: Pathogenic for Pigmented paravenous retinochoroidal atrophy. Last evaluated: 2023-04-11. Review status: criteria provided, single submitter. Criteria: ACMG Guidelines, 2015. Collection method: clinical testing. Allele origin: germline. Affected: no.

Genome-Nilou Lab
Classification: Pathogenic for Retinitis pigmentosa 12. Last evaluated: 2023-04-11. Review status: criteria provided, single submitter. Criteria: ACMG Guidelines, 2015. Collection method: clinical testing. Allele origin: germline. Affected: no.

Blueprint Genetics
Classification: Pathogenic for CRB1-related disorders. Last evaluated: 2022-06-06. Review status: criteria provided, single submitter. Criteria: ACMG Guidelines, 2015. Collection method: clinical testing. Allele origin: germline. Affected: yes. Observed: 5 variant alleles.

Natera, Inc.
Classification: Likely pathogenic for Leber congenital amaurosis. Last evaluated: 2020-06-08. Review status: no assertion criteria provided. Collection method: clinical testing. Allele origin: germline. Not counted in ClinVar's aggregate classification.

Literature cited by the submitters: PubMed 17964524 (cited by Labcorp Genetics (formerly Invitae), Labcorp and Women's Health and Genetics/Laboratory Corporation of America, LabCorp); PubMed 29343940 (cited by Women's Health and Genetics/Laboratory Corporation of America, LabCorp).

NM_201253.3(CRB1):c.2300T>C (p.Leu767Pro)

Gene: CRB1 (crumbs cell polarity complex component 1; plus strand). Cytogenetic location: 1q31.3.
Variant type: single nucleotide variant.
Coding change: c.2300T>C on transcript NM_201253.3 (MANE Select); coding-DNA position 2300, T replaced by C.
Protein change: p.Leu767Pro; replaces leucine 767 with proline.
Molecular consequence: missense variant. On other transcripts: non-coding transcript variant (2), intron variant (1).
Genome position (GRCh38, 1-based): chr1:197,427,625, T>C. VCF-style: chr1-197427625-T-C. GRCh37 (hg19) VCF-style: chr1-197396755-T-C.
Other names: c.1964T>C, p.Leu655Pro (NM_001193640.2); c.2093T>C, p.Leu698Pro (NM_001257965.2); c.2128+5669T>C (NM_001257966.2); short protein forms L655P, L767P, L698P.
Identifiers: ClinVar variation 840207 (VCV000840207.17), dbSNP rs1451348539, ClinGen allele CA344036931.